The following is an entry in ClinVar:

ClinVar aggregate classification (germline): Pathogenic (1 of 4 stars; one submission).

Conditions:
Inborn genetic diseases. Identifiers: MedGen C0950123, MeSH D030342.

gnomAD v4.1: 1 of 1,613,336 alleles (0.000062%); highest among the groups gnomAD compares: Non-Finnish European, 0.000085%; no homozygotes.

Submission:

Ambry Genetics
Classification: Pathogenic for Inborn genetic diseases. Last evaluated: 2023-10-26. Review status: criteria provided, single submitter. Criteria: Ambry Variant Classification Scheme 2023. Collection method: clinical testing. Allele origin: germline.
Comment: The c.619C>T (p.Q207*) alteration, located in exon 4 (coding exon 4) of the TRMT1 gene, consists of a C to T substitution at nucleotide position 619. This changes the amino acid from a glutamine (Q) to a stop codon at amino acid position 207. This alteration is expected to result in loss of function by premature protein truncation or nonsense-mediated mRNA decay. Based on data from gnomAD, the T allele has an overall frequency of <0.001% (0/250100) total alleles studied. The highest observed frequency was <0.001% (/) of alleles. Based on the available evidence, this alteration is classified as pathogenic.

NM_001136035.4(TRMT1):c.619C>T (p.Gln207Ter)

Gene: TRMT1 (tRNA methyltransferase 1; minus strand). Cytogenetic location: 19p13.13.
Variant type: single nucleotide variant.
Coding change: c.619C>T on transcript NM_001136035.4 (MANE Select); coding-DNA position 619, C replaced by T.
Protein change: p.Gln207Ter; replaces glutamine 207 with a stop codon.
Molecular consequence: nonsense. On other transcripts: 5 prime UTR variant (1).
Genome position (GRCh38, 1-based): chr19:13,115,301, G>A on the plus strand (C>T on the coding strand, the complement: TRMT1 is on the minus strand). VCF-style: chr19-13115301-G-A. GRCh37 (hg19) VCF-style: chr19-13226115-G-A.
Other names: c.619C>T, p.Gln207Ter (NM_001142554.3, NM_001351760.2, NM_017722.5); c.511C>T, p.Gln171Ter (NM_001351761.2); c.-152C>T (NM_001351762.2); short protein forms Q171*, Q207*.
Identifiers: ClinVar variation 3182983 (VCV003182983.1), dbSNP rs2019294247, ClinGen allele CA404317952.
Genomic context (GRCh38, chr19:13,115,301, plus strand): 5'-GCTTGTCCCAGAGCTAGGCTGTGATGCCCAGAACCTACCGGGCATCTGCTTGGCTCGGCT[G>A]TACCAGGTGGGCCACGTCATTGAGCTGGACATTCCGGCGTATGAGATCCACAGCCCGGGT-3'